The following is an entry in ClinVar:

ClinVar aggregate classification (germline): Benign (0 of 4 stars; one submission).

Conditions:
RFC1-related disorder. Also called: RFC1-related condition; RFC1-Related Disorders. Identifiers: MedGen CN382339.

Allele frequency attached by ClinVar (database versions not stated): gnomAD exomes 0.00049; 1000 Genomes Project 0.00439; 1000 Genomes Project 30x 0.00453; gnomAD 0.00477; ESP Exome Variant Server 0.00523; TOPMed 0.00543.
gnomAD v4.1: 1,469 of 1,583,108 alleles (0.093%); highest among the groups gnomAD compares: African/African-American, 1.7%; 12 homozygotes.

Submission:

PreventionGenetics, part of Exact Sciences
Classification: Benign for RFC1-related condition. Last evaluated: 2019-11-16. Review status: no assertion criteria provided. Collection method: clinical testing. Allele origin: germline.
Comment: This variant is classified as benign based on ACMG/AMP sequence variant interpretation guidelines (Richards et al. 2015 PMID: 25741868, with internal and published modifications).

NM_002913.5(RFC1):c.1037A>G (p.Lys346Arg)

Gene: RFC1 (replication factor C subunit 1; minus strand). Cytogenetic location: 4p14.
Variant type: single nucleotide variant.
Coding change: c.1037A>G on transcript NM_002913.5 (MANE Select); coding-DNA position 1037, A replaced by G.
Protein change: p.Lys346Arg; replaces lysine 346 with arginine.
Molecular consequence: missense variant.
Genome position (GRCh38, 1-based): chr4:39,320,441, T>C on the plus strand (A>G on the coding strand, the complement: RFC1 is on the minus strand). VCF-style: chr4-39320441-T-C. GRCh37 (hg19) VCF-style: chr4-39322061-T-C.
Other names: c.1037A>G, p.Lys346Arg (NM_001204747.2); c.959A>G, p.Lys320Arg (NM_001363495.2, NM_001363496.2); short protein forms K320R, K346R.
Identifiers: ClinVar variation 3044094 (VCV003044094.2), dbSNP rs137867721, ClinGen allele CA2893261.